The following is an entry in ClinVar:

NM_198578.4(LRRK2):c.2843G>T (p.Arg948Leu)

Gene: LRRK2 (leucine rich repeat kinase 2; plus strand). Cytogenetic location: 12q12.
Variant type: single nucleotide variant.
Coding change: c.2843G>T on transcript NM_198578.4 (MANE Select); coding-DNA position 2843, G replaced by T.
Protein change: p.Arg948Leu; replaces arginine 948 with leucine.
Molecular consequence: missense variant.
Genome position (GRCh38, 1-based): chr12:40,294,879, G>T. VCF-style: chr12-40294879-G-T. GRCh37 (hg19) VCF-style: chr12-40688681-G-T.
Other names: short protein forms R948L.
Identifiers: ClinVar variation 1796746 (VCV001796746.3), dbSNP rs200442352, ClinGen allele CA384412222.

ClinVar aggregate classification (germline): Uncertain significance (1 of 4 stars; one submission).

Conditions:
Inborn genetic diseases. Identifiers: MedGen C0950123, MeSH D030342.

Submission:

Ambry Genetics
Classification: Uncertain significance for Inborn genetic diseases. Last evaluated: 2024-09-10. Review status: criteria provided, single submitter. Criteria: Ambry Variant Classification Scheme 2023. Collection method: clinical testing. Allele origin: germline.
Comment: The p.R948L variant (also known as c.2843G>T), located in coding exon 22 of the LRRK2 gene, results from a G to T substitution at nucleotide position 2843. The arginine at codon 948 is replaced by leucine, an amino acid with dissimilar properties. This amino acid position is conserved. In addition, this alteration is predicted to be tolerated by in silico analysis. Since supporting evidence is limited at this time, the clinical significance of this alteration remains unclear.